The following is an entry in ClinVar:

NM_000059.4(BRCA2):c.8714A>G (p.Tyr2905Cys)

Gene: BRCA2 (BRCA2 DNA repair associated; plus strand). Cytogenetic location: 13q13.1.
Variant type: single nucleotide variant.
Coding change: c.8714A>G on transcript NM_000059.4 (MANE Select); coding-DNA position 8714, A replaced by G.
Protein change: p.Tyr2905Cys; replaces tyrosine 2905 with cysteine.
Molecular consequence: missense variant.
Genome position (GRCh38, 1-based): chr13:32,376,751, A>G. VCF-style: chr13-32376751-A-G. GRCh37 (hg19) VCF-style: chr13-32950888-A-G.
Other names: 8942A>G; short protein forms Y2905C.
Identifiers: ClinVar variation 96871 (VCV000096871.21), dbSNP rs431825368, ClinGen allele CA025791.
Genomic context (GRCh38, chr13:32,376,751, plus strand): 5'-TACCATCACGTGCACTAACAAGACAGCAAGTTCGTGCTTTGCAAGATGGTGCAGAGCTTT[A>G]TGAAGCAGTGAAGAATGCAGCAGACCCAGCTTACCTTGAGGTGAGAGAGTAAGAGGACAT-3'
Protein context (NP_000050.3, residues 2895-2915): VRALQDGAEL[Tyr2905Cys]EAVKNAADPA

ClinVar aggregate classification (germline): Conflicting classifications of pathogenicity. Review status: criteria provided, conflicting classifications (1 of 4 stars). 7 submissions from 7 submitters: Uncertain significance (5); Likely benign (1). 1 of the submissions does not count toward it. Last evaluated 2025-06-20.

Conditions:
BRCA2-related cancer predisposition. Identifiers: MedGen CN377758, MONDO:0700269.
Hereditary cancer-predisposing syndrome. Also called: Hereditary Cancer Syndrome; Neoplastic Syndromes, Hereditary; Hereditary neoplastic syndrome; Tumor predisposition. Identifiers: Orphanet 140162, MedGen C0027672, MeSH D009386, MONDO:0015356.
Hereditary breast ovarian cancer syndrome. Also called: Breast and ovarian cancer; Hereditary breast and/or ovarian cancer syndrome; Hereditary breast and ovarian cancer; Hereditary breast and ovarian cancer syndrome; Hereditary breast and ovarian cancer syndrome (HBOC); BRCA1- and BRCA2-Associated Hereditary Breast and Ovarian Cancer. Identifiers: Orphanet 145, MedGen C0677776, MeSH D061325, MONDO:0003582. Disease mechanism: loss of function.
Breast-ovarian cancer, familial, susceptibility to, 2 (BROVCA2). Also called: BRCA2 Hereditary Breast and Ovarian Cancer. Identifiers: Orphanet 145, MedGen C2675520, MONDO:0012933, OMIM 612555. Disease mechanism: loss of function.

Allele frequency attached by ClinVar (database versions not stated): gnomAD exomes 0.00001 and 0.00002; ExAC 0.00002.
gnomAD v4.1: 13 of 1,614,202 alleles (0.00081%); highest among the groups gnomAD compares: South Asian, 0.014%; no homozygotes.

Submissions (7):

Quest Diagnostics Nichols Institute San Juan Capistrano
Classification: Uncertain significance. Last evaluated: 2025-06-20. Review status: criteria provided, single submitter. Criteria: Quest Diagnostics criteria. Collection method: clinical testing. Allele origin: unknown.
Comment: The BRCA2 c.8714A>G (p.Tyr2905Cys) variant has been reported in the published literature in observed in a reportedly unaffected individual (PMID: 33471991 (2021), see also LOVD). Functional studies demonstrated that this variant had inconclusive effects on protein function, with neutral to intermediate impact on drug sensitivity to PARP inhibitors and likely abnormal impact on sensitivity to CBDCA (PMID: 37922907 (2023), 32444794 (2020)). The frequency of this variant in the general population (Genome Aggregation Database) is uninformative in the assessment of its pathogenicity. Analysis of this variant using bioinformatics tools for the prediction of the effect of amino acid changes on protein structure and function yielded predictions that this variant is damaging. Based on the available information, we are unable to determine the clinical significance of this variant.

All of Us Research Program, National Institutes of Health
Classification: Uncertain significance for BRCA2-related cancer predisposition. Last evaluated: 2024-02-22. Review status: criteria provided, single submitter. Criteria: ACMG Guidelines, 2015. Collection method: clinical testing. Allele origin: germline. Inheritance: Autosomal dominant inheritance. Observed: 2 variant alleles, 2 heterozygotes.
Comment: This missense variant replaces tyrosine with cysteine at codon 2905 of the BRCA2 protein. Computational prediction is inconclusive regarding the impact of this variant on protein structure and function. Functional studies have shown this variant does not impact cell viability or increase drug sensitivity to cisplatin or PARP inhibitors (PMID: 32444794, 37922907), but does increase sensitivity to CBDCA (PMID: 32444794). This variant has not been reported in individuals affected with BRCA2-related cancer in the literature, but has been reported in an unaffected individual (PMID: 33471991; Leiden Open Variation Database DB-ID BRCA2_008698). This variant has been identified in 4/251312 chromosomes in the general population by the Genome Aggregation Database (gnomAD). The available evidence is insufficient to determine the role of this variant in disease conclusively. Therefore, this variant is classified as a Variant of Uncertain Significance.

This study involves interpretation of variants in research participants for the purpose of population health screening. Participant phenotype was not available at the time of variant classification. Additional details can be found in publication PMID: 35346344, PMCID: PMC8962531

Color Diagnostics, LLC DBA Color Health
Classification: Uncertain significance for Hereditary cancer-predisposing syndrome. Last evaluated: 2024-02-06. Review status: criteria provided, single submitter. Criteria: ACMG Guidelines, 2015. Collection method: clinical testing. Allele origin: germline.
Comment: This missense variant replaces tyrosine with cysteine at codon 2905 of the BRCA2 protein. Computational prediction is inconclusive regarding the impact of this variant on protein structure and function. Functional studies have shown this variant does not impact cell viability or increase drug sensitivity to cisplatin or PARP inhibitors (PMID: 32444794, 37922907), but does increase sensitivity to CBDCA (PMID: 32444794). This variant has not been reported in individuals affected with BRCA2-related cancer in the literature, but has been reported in an unaffected individual (PMID: 33471991; Leiden Open Variation Database DB-ID BRCA2_008698). This variant has been identified in 4/251312 chromosomes in the general population by the Genome Aggregation Database (gnomAD). The available evidence is insufficient to determine the role of this variant in disease conclusively. Therefore, this variant is classified as a Variant of Uncertain Significance.

Labcorp Genetics (formerly Invitae), Labcorp
Classification: Uncertain significance for Hereditary breast ovarian cancer syndrome. Last evaluated: 2022-10-11. Review status: criteria provided, single submitter. Criteria: Invitae Variant Classification Sherloc (09022015). Collection method: clinical testing. Allele origin: germline.
Comment: ClinVar contains an entry for this variant (Variation ID: 96871). This variant has not been reported in the literature in individuals affected with BRCA2-related conditions. This variant is present in population databases (rs431825368, gnomAD 0.01%). This sequence change replaces tyrosine, which is neutral and polar, with cysteine, which is neutral and slightly polar, at codon 2905 of the BRCA2 protein (p.Tyr2905Cys). Advanced modeling of protein sequence and biophysical properties (such as structural, functional, and spatial information, amino acid conservation, physicochemical variation, residue mobility, and thermodynamic stability) performed at Invitae indicates that this missense variant is not expected to disrupt BRCA2 protein function. In summary, the available evidence is currently insufficient to determine the role of this variant in disease. Therefore, it has been classified as a Variant of Uncertain Significance.

Ambry Genetics
Classification: Likely benign for Hereditary cancer-predisposing syndrome. Last evaluated: 2022-01-11. Review status: criteria provided, single submitter. Criteria: Ambry Variant Classification Scheme 2023. Collection method: clinical testing. Allele origin: germline.

GeneDx
Classification: Uncertain significance. Last evaluated: 2015-05-11. Review status: criteria provided, single submitter. Criteria: GeneDx Variant Classification (06012015). Collection method: clinical testing. Allele origin: germline. Affected: yes.
Comment: This variant is denoted BRCA2 c.8714A>G at the cDNA level, p.Tyr2905Cys (Y2905C) at the protein level, and results in the change of a Tyrosine to a Cysteine (TAT>TGT). Using alternate nomenclature, this variant would be defined as BRCA2 8942A>G. This variant has not, to our knowledge, been published in the literature as pathogenic or benign. BRCA2 Tyr2905Cys was not observed in approximately 6,500 individuals of European and African American ancestry in the NHLBI Exome Sequencing Project, indicating it is not a common benign variant in these populations. Since Tyrosine and Cysteine differ in polarity, charge, size or other properties, this is considered a non-conservative amino acid substitution. BRCA2 Tyr2905Cys occurs at a position that is conserved across species and is located in the DNA binding domain (Borg 2010). In silico analyses predict that this variant is probably damaging to protein structure and function. Based on currently available information, it is unclear whether BRCA2 Tyr2905Cys is pathogenic or benign. We consider it to be a variant of uncertain significance.

Sharing Clinical Reports Project (SCRP)
Classification: Uncertain significance for Breast-ovarian cancer, familial 2. Last evaluated: 2012-05-01. Review status: no assertion criteria provided. Collection method: clinical testing. Allele origin: germline. Not counted in ClinVar's aggregate classification.

Literature cited by the submitters: PubMed 33471991 (cited by 3 submitters); PubMed 37922907 (cited by 3 submitters); PubMed 32444794 (cited by 4 submitters).